The following is an entry in ClinVar:

NM_003000.3(SDHB):c.293G>A (p.Cys98Tyr)

Gene: SDHB (succinate dehydrogenase complex iron sulfur subunit B; minus strand). Cytogenetic location: 1p36.13.
Variant type: single nucleotide variant.
Coding change: c.293G>A on transcript NM_003000.3 (MANE Select); coding-DNA position 293, G replaced by A.
Protein change: p.Cys98Tyr; replaces cysteine 98 with tyrosine.
Molecular consequence: missense variant.
Genome position (GRCh38, 1-based): chr1:17,028,730, C>T on the plus strand (G>A on the coding strand, the complement: SDHB is on the minus strand). VCF-style: chr1-17028730-C-T. GRCh37 (hg19) VCF-style: chr1-17355225-C-T.
Other names: short protein forms C98Y.
Identifiers: ClinVar variation 459142 (VCV000459142.50), dbSNP rs1553177768, ClinGen allele CA338275198.
Genomic context (GRCh38, chr1:17,028,730, plus strand): 5'-TCAATCCTTCGGGTGCAAGCTAGAGTGTTGCCTCCATTGATGTTCATTGCACAAGAGCCA[C>T]AGATGCCTGAAAGAGACACACATTTAACACATCCTCACCCATATCCGGAATCAGTCCTGC-3'
Protein context (NP_002991.2, residues 88-108): TFRRSCREGI[Cys98Tyr]GSCAMNINGG

ClinVar aggregate classification (germline): Pathogenic/Likely pathogenic. Review status: criteria provided, multiple submitters, no conflicts (2 of 4 stars). 4 submissions from 4 submitters: Pathogenic (1); Likely pathogenic (3). Last evaluated 2025-02-26.

Conditions:
Gastrointestinal stromal tumor. Also called: Gastrointestinal stromal tumor, somatic; Gastrointestinal stroma tumor. Identifiers: Orphanet 44890, MedGen C0238198, MeSH D046152, MONDO:0011719, OMIM 606764, HP:0100723.
Pheochromocytoma/paraganglioma syndrome 4. Also called: PARAGANGLIOMA, FAMILIAL MALIGNANT; PARAGANGLIOMAS, HEREDITARY EXTRAADRENAL; PHEOCHROMOCYTOMA, FAMILIAL EXTRAADRENAL; Paragangliomas 4; SDHB-Related Hereditary Paraganglioma-Pheochromocytoma Syndrome (Paragangliomas 4); CAROTID BODY TUMORS AND MULTIPLE EXTRAADRENAL PHEOCHROMOCYTOMAS. Identifiers: Orphanet 29072, MedGen C1861848, MONDO:0007273, OMIM 115310.
Pheochromocytoma. Also called: MAX-Related Hereditary Paraganglioma-Pheochromocytoma Syndrome. Identifiers: Orphanet 29072, MedGen C0031511, MONDO:0008233, OMIM 171300, HP:0002666.

Submissions (4):

Myriad Genetics, Inc.
Classification: Likely pathogenic for Pheochromocytoma/paraganglioma syndrome 4. Last evaluated: 2025-02-26. Review status: criteria provided, single submitter. Criteria: Myriad Autosomal Dominant, Autosomal Recessive and X-Linked Classification Criteria (2023). Collection method: clinical testing. Allele origin: unknown.
Comment: This variant is considered likely pathogenic. This variant has been reported in multiple individuals with clinical features of gene-specific disease [PMID: 17848412, 16317055, 22517557, 35300626, 36652439]. This variant is expected to disrupt protein structure [Myriad internal data].

Labcorp Genetics (formerly Invitae), Labcorp
Classification: Pathogenic for Gastrointestinal stromal tumor; Pheochromocytoma/paraganglioma syndrome 4; Pheochromocytoma. Last evaluated: 2024-09-14. Review status: criteria provided, single submitter. Criteria: Invitae Variant Classification Sherloc (09022015). Collection method: clinical testing. Allele origin: germline.
Comment: This sequence change replaces cysteine, which is neutral and slightly polar, with tyrosine, which is neutral and polar, at codon 98 of the SDHB protein (p.Cys98Tyr). This variant is not present in population databases (gnomAD no frequency). This missense change has been observed in individuals with paraganglioma (PMID: 16317055, 17848412, 20208144, 34906457, 37529773; internal data). It has also been observed to segregate with disease in related individuals. ClinVar contains an entry for this variant (Variation ID: 459142). Invitae Evidence Modeling of protein sequence and biophysical properties (such as structural, functional, and spatial information, amino acid conservation, physicochemical variation, residue mobility, and thermodynamic stability) indicates that this missense variant is expected to disrupt SDHB protein function with a positive predictive value of 80%. This variant disrupts the p.Cys98 amino acid residue in SDHB. Other variant(s) that disrupt this residue have been determined to be pathogenic (PMID: 16317055, 18419787, 29386252, 29951630, 31492822). This suggests that this residue is clinically significant, and that variants that disrupt this residue are likely to be disease-causing. For these reasons, this variant has been classified as Pathogenic.

GeneDx
Classification: Likely pathogenic. Last evaluated: 2023-03-16. Review status: criteria provided, single submitter. Criteria: GeneDx Variant Classification Process June 2021. Collection method: clinical testing. Allele origin: germline. Affected: yes.
Comment: Not observed at significant frequency in large population cohorts (gnomAD); In silico analysis supports that this missense variant has a deleterious effect on protein structure/function; This variant is associated with the following publications: (PMID: 16317055, 34906457, 35300626, 20208144, 17848412, 33237286)

CeGaT Center for Human Genetics Tuebingen
Classification: Likely pathogenic. Last evaluated: 2019-09-01. Review status: criteria provided, single submitter. Criteria: CeGaT Center For Human Genetics Tuebingen Variant Classification Criteria Version 2. Collection method: clinical testing. Allele origin: germline. Affected: yes. Observed: 4 variant alleles.

Literature cited by the submitters: PubMed 17848412 (cited by Myriad Genetics, Inc. and Labcorp Genetics (formerly Invitae), Labcorp); PubMed 16317055 (cited by Myriad Genetics, Inc. and Labcorp Genetics (formerly Invitae), Labcorp); PubMed 22517557 (cited by Myriad Genetics, Inc.); PubMed 35300626 (cited by Myriad Genetics, Inc.); PubMed 36652439 (cited by Myriad Genetics, Inc.); PubMed 20208144 (cited by Labcorp Genetics (formerly Invitae), Labcorp); PubMed 34906457 (cited by Labcorp Genetics (formerly Invitae), Labcorp); PubMed 37529773 (cited by Labcorp Genetics (formerly Invitae), Labcorp); PubMed 18419787 (cited by Labcorp Genetics (formerly Invitae), Labcorp); PubMed 29386252 (cited by Labcorp Genetics (formerly Invitae), Labcorp); PubMed 29951630 (cited by Labcorp Genetics (formerly Invitae), Labcorp); PubMed 31492822 (cited by Labcorp Genetics (formerly Invitae), Labcorp).